The following is an entry in ClinVar:

NM_006580.4(CLDN16):c.218-10G>A

Gene: CLDN16 (claudin 16; plus strand). Cytogenetic location: 3q28.
Variant type: single nucleotide variant.
Coding change: c.218-10G>A on transcript NM_006580.4 (MANE Select); 10 bases into the intron before coding-DNA position 218, G replaced by A.
Molecular consequence: intron variant.
Genome position (GRCh38, 1-based): chr3:190,404,752, G>A. VCF-style: chr3-190404752-G-A. GRCh37 (hg19) VCF-style: chr3-190122541-G-A.
Other names: c.218-10G>A (NM_001378492.1, NM_001378493.1).
Identifiers: ClinVar variation 1028524 (VCV001028524.2), dbSNP rs1719047633, ClinGen allele CA1428759252.
Genomic context (GRCh38, chr3:190,404,752, plus strand): 5'-GCTATGTCTCTGTGAGTTAATATGGTTCCTTCTTCTGACTCTGCTTTAACCATATGCCCT[G>A]GTCTTCCAGTGAAGCTGGTGGTAACTCGAGCGTTGATGATTACTGCAGATATTCTAGCTG-3'

ClinVar aggregate classification (germline): Uncertain significance. Review status: criteria provided, multiple submitters, no conflicts (2 of 4 stars). 2 submissions from 2 submitters: Uncertain significance (2). Last evaluated 2024-03-14.

Conditions:
Primary hypomagnesemia (HOMG3). Also called: HYPOMAGNESEMIA, FAMILIAL, WITH HYPERCALCIURIA AND NEPHROCALCINOSIS; HYPOMAGNESEMIA, ISOLATED RENAL; HYPOMAGNESEMIA, PRIMARY, DUE TO DEFECT IN RENAL TUBULAR TRANSPORT OF MAGNESIUM; HYPOMAGNESEMIA 3, RENAL. Identifiers: Orphanet 31043, MedGen C0268448, MONDO:0009550, OMIM 248250.

Submissions (2):

Genomic Medicine Center of Excellence, King Faisal Specialist Hospital and Research Centre
Classification: Uncertain significance for Hypomagnesemia 3, renal. Last evaluated: 2024-03-14. Review status: criteria provided, single submitter. Criteria: ACMG Guidelines, 2015. Collection method: clinical testing. Allele origin: germline.

Baylor Genetics
Classification: Uncertain significance for Primary hypomagnesemia. Last evaluated: 2019-11-20. Review status: criteria provided, single submitter. Criteria: ACMG Guidelines, 2015. Collection method: clinical testing. Allele origin: unknown. Affected: yes.
Comment: This variant was determined to be of uncertain significance according to ACMG Guidelines, 2015 [PMID:25741868].